The following is an entry in ClinVar:

NM_032242.4(PLXNA1):c.768_772del (p.Tyr257fs)

Gene: PLXNA1 (plexin A1; plus strand). Cytogenetic location: 3q21.3.
Variant type: Deletion.
Coding change: c.768_772del on transcript NM_032242.4 (MANE Select); coding-DNA positions 768 to 772, 5 bases deleted (CTACT; older notation c.768_772delCTACT).
Protein change: p.Tyr257fs; shifts the reading frame from tyrosine 257.
Molecular consequence: frameshift variant.
Genome position (GRCh38, 1-based): chr3:126,989,361-126,989,365, CTACT deleted; deleting any 5 consecutive bases within chr3:126,989,360-126,989,365 gives the same sequence; the c. name uses the placement nearest the transcript's 3' end. VCF-style (leftmost placement, unchanged base first): chr3-126989359-GTCTAC-G. GRCh37 (hg19) VCF-style: chr3-126708202-GTCTAC-G.
Other names: short protein forms Y257fs.
Identifiers: ClinVar variation 4886572 (VCV004886572.2).
Genomic context (GRCh38, chr3:126,989,359, plus strand): 5'-CTGTCCAAGTTCCCGGCCTTTGACATCTACTATGTGTACAGCTTCCGCAGCGAGCAGTTT[GTCTAC>G]TACCTCACGCTGCAGCTAGACACACAGCTGACCTCGCCTGATGCCGCCGGCGAGCACTTC-3'

ClinVar aggregate classification (germline): Likely pathogenic (1 of 4 stars; one submission).

Submission:

Dasa
Classification: Likely pathogenic. Last evaluated: 2025-08-17. Review status: criteria provided, single submitter. Criteria: DASA Assertion Criteria. Collection method: clinical testing. Allele origin: germline.
Comment: NM_032242.4(PLXNA1):c.768_772del (p.Tyr257Profs*13) is a frameshift variant in PLXNA1 predicted to alter the reading frame and introduce a premature termination codon and is predicted to result in an absent or altered protein product. Loss of function is an established disease mechanism for PLXNA1-associated disorders. Also, this variant is absent from population databases. Based on the currently available evidence, this variant is classified as likely pathogenic.